The following is an entry in ClinVar:

ClinVar aggregate classification (germline): Uncertain significance (1 of 4 stars; one submission).

Conditions:
Familial cancer of breast. Also called: BREAST CANCER, FAMILIAL; hereditary breast carcinoma; Hereditary breast cancer. Identifiers: Orphanet 227535, MedGen C0346153, MONDO:0016419, OMIM 114480. Disease mechanism: loss of function.
Fanconi anemia complementation group J. Also called: BRIP1-Related Fanconi Anemia. Identifiers: Orphanet 84, MedGen C1836860, MONDO:0012187, OMIM 609054.

Submission:

Labcorp Genetics (formerly Invitae), Labcorp
Classification: Uncertain significance for Familial cancer of breast; Fanconi anemia complementation group J. Last evaluated: 2021-06-19. Review status: criteria provided, single submitter. Criteria: Invitae Variant Classification Sherloc (09022015). Collection method: clinical testing. Allele origin: germline.
Comment: This variant has not been reported in the literature in individuals with BRIP1-related conditions. In summary, the available evidence is currently insufficient to determine the role of this variant in disease. Therefore, it has been classified as a Variant of Uncertain Significance. Algorithms developed to predict the effect of missense changes on protein structure and function are either unavailable or do not agree on the potential impact of this missense change (SIFT: "Deleterious"; PolyPhen-2: "Probably Damaging"; Align-GVGD: "Class C0"). This variant is not present in population databases (ExAC no frequency). This sequence change replaces alanine with threonine at codon 778 of the BRIP1 protein (p.Ala778Thr). The alanine residue is highly conserved and there is a small physicochemical difference between alanine and threonine.

NM_032043.3(BRIP1):c.2332G>A (p.Ala778Thr)

Gene: BRIP1 (BRCA1 interacting DNA helicase 1; minus strand). Cytogenetic location: 17q23.2.
Variant type: single nucleotide variant.
Coding change: c.2332G>A on transcript NM_032043.3 (MANE Select); coding-DNA position 2332, G replaced by A.
Protein change: p.Ala778Thr; replaces alanine 778 with threonine.
Molecular consequence: missense variant.
Genome position (GRCh38, 1-based): chr17:61,743,060, C>T on the plus strand (G>A on the coding strand, the complement: BRIP1 is on the minus strand). VCF-style: chr17-61743060-C-T. GRCh37 (hg19) VCF-style: chr17-59820421-C-T.
Other names: short protein forms A778T.
Identifiers: ClinVar variation 1361657 (VCV001361657.9), dbSNP rs2144676807, ClinGen allele CA400482618.
Genomic context (GRCh38, chr17:61,743,060, plus strand): 5'-TTTGATGGCCTACCTGTAGATCTTTCACATTTGGAAAAGGAATTCCTATTGTTATGACAG[C>T]ACGGGCATTGTCATCTGAGAAATCCAGACCCTCACTCACTTTACCACGACAAACTGCTAC-3'
Protein context (NP_114432.2, residues 768-788): GLDFSDDNAR[Ala778Thr]VITIGIPFPN